The following is an entry in ClinVar:

NM_001004334.4(GPR179):c.4012C>G (p.Gln1338Glu)

Gene: GPR179 (G protein-coupled receptor 179; minus strand). Cytogenetic location: 17q12.
Variant type: single nucleotide variant.
Coding change: c.4012C>G on transcript NM_001004334.4 (MANE Select); coding-DNA position 4012, C replaced by G.
Protein change: p.Gln1338Glu; replaces glutamine 1338 with glutamic acid.
Molecular consequence: missense variant.
Genome position (GRCh38, 1-based): chr17:38,329,557, G>C on the plus strand (C>G on the coding strand, the complement: GPR179 is on the minus strand). VCF-style: chr17-38329557-G-C. GRCh37 (hg19) VCF-style: chr17-36485440-G-C.
Other names: short protein forms Q1338E.
Identifiers: ClinVar variation 2973361 (VCV002973361.3), dbSNP rs774716548, ClinGen allele CA398877822.
Genomic context (GRCh38, chr17:38,329,557, plus strand): 5'-CCTTCCTGGCCTCCACACTGTCCCCCGCCTCAGATTTGTCTCTGATTCTGCCAGGGTCCT[G>C]AGGAGCTGACCCAGGGGACAGACCTCCTCGATCGGCACTCTCCCAGGGACACACTGCTTC-3'
Protein context (NP_001004334.3, residues 1328-1348): RGGLSPGSAP[Gln1338Glu]DPGRIRDKSE

ClinVar aggregate classification (germline): Uncertain significance (1 of 4 stars; one submission).

Submission:

Labcorp Genetics (formerly Invitae), Labcorp
Classification: Uncertain significance. Last evaluated: 2023-10-03. Review status: criteria provided, single submitter. Criteria: Invitae Variant Classification Sherloc (09022015). Collection method: clinical testing. Allele origin: germline.
Comment: This sequence change replaces glutamine, which is neutral and polar, with glutamic acid, which is acidic and polar, at codon 1338 of the GPR179 protein (p.Gln1338Glu). This variant is not present in population databases (gnomAD no frequency). This variant has not been reported in the literature in individuals affected with GPR179-related conditions. An algorithm developed to predict the effect of missense changes on protein structure and function (PolyPhen-2) suggests that this variant is likely to be tolerated. In summary, the available evidence is currently insufficient to determine the role of this variant in disease. Therefore, it has been classified as a Variant of Uncertain Significance.